The following is an entry in ClinVar:

NM_018180.3(DHX32):c.282+6T>C

Gene: DHX32 (DEAH-box helicase 32 (putative); minus strand). Cytogenetic location: 10q26.2.
Variant type: single nucleotide variant.
Coding change: c.282+6T>C on transcript NM_018180.3 (MANE Select); 6 bases into the intron after coding-DNA position 282, T replaced by C.
Molecular consequence: intron variant.
Genome position (GRCh38, 1-based): chr10:125,880,537, A>G on the plus strand (T>C on the coding strand, the complement: DHX32 is on the minus strand). VCF-style: chr10-125880537-A-G. GRCh37 (hg19) VCF-style: chr10-127569106-A-G.
Identifiers: ClinVar variation 2882566 (VCV002882566.3), dbSNP rs749870663, ClinGen allele CA5739497.

ClinVar aggregate classification (germline): Uncertain significance (1 of 4 stars; one submission).

Allele frequency attached by ClinVar (database versions not stated): TOPMed below 0.00001; gnomAD 0.00001; gnomAD exomes 0.00002; ExAC 0.00003.
gnomAD v4.1: 25 of 1,581,934 alleles (0.0016%); highest among the groups gnomAD compares: Middle Eastern, 0.051%; no homozygotes.

Submission:

Labcorp Genetics (formerly Invitae), Labcorp
Classification: Uncertain significance. Last evaluated: 2023-09-17. Review status: criteria provided, single submitter. Criteria: Invitae Variant Classification Sherloc (09022015). Collection method: clinical testing. Allele origin: germline.
Comment: In summary, the available evidence is currently insufficient to determine the role of this variant in disease. Therefore, it has been classified as a Variant of Uncertain Significance. Variants that disrupt the consensus splice site are a relatively common cause of aberrant splicing (PMID: 17576681, 9536098). Algorithms developed to predict the effect of sequence changes on RNA splicing suggest that this variant may create or strengthen a splice site. This variant has not been reported in the literature in individuals affected with DHX32-related conditions. This variant is present in population databases (rs749870663, gnomAD 0.005%). This sequence change falls in intron 1 of the DHX32 gene. It does not directly change the encoded amino acid sequence of the DHX32 protein. It affects a nucleotide within the consensus splice site.

Literature cited by the submitters: PubMed 17576681; PubMed 9536098.